The following is an entry in ClinVar:

NM_000235.4(LIPA):c.254A>C (p.Gln85Pro)

Gene: LIPA (lipase A, lysosomal acid type; minus strand). Cytogenetic location: 10q23.31.
Variant type: single nucleotide variant.
Coding change: c.254A>C on transcript NM_000235.4 (MANE Select); coding-DNA position 254, A replaced by C.
Protein change: p.Gln85Pro; replaces glutamine 85 with proline.
Molecular consequence: missense variant. On other transcripts: 5 prime UTR variant (1).
Genome position (GRCh38, 1-based): chr10:89,228,374, T>G on the plus strand (A>C on the coding strand, the complement: LIPA is on the minus strand). VCF-style: chr10-89228374-T-G. GRCh37 (hg19) VCF-style: chr10-90988131-T-G.
Other names: c.254A>C, p.Gln85Pro (NM_001127605.3); c.-95A>C (NM_001288979.2); short protein forms Q85P.
Identifiers: ClinVar variation 3340028 (VCV003340028.1).
Genomic context (GRCh38, chr10:89,228,374, plus strand): 5'-CCCAGGCTGCTGTTGGCAAGGTTTGTGACCCAGTTACTAGAATCTGCCAGCAAGCCATGT[T>G]GCAGGAAGACAACTGGTTTGGGACCTGAAAAACATTCATTGTTTAGGAGGCAGTAGCACC-3'
Protein context (NP_000226.2, residues 75-95): DKGPKPVVFL[Gln85Pro]HGLLADSSNW

ClinVar aggregate classification (germline): Uncertain significance (1 of 4 stars; one submission).

Submission:

Women's Health and Genetics/Laboratory Corporation of America, LabCorp
Classification: Uncertain significance. Last evaluated: 2024-06-17. Review status: criteria provided, single submitter. Criteria: LabCorp Variant Classification Summary - May 2015. Collection method: clinical testing. Allele origin: germline.
Comment: Variant summary: LIPA c.254A>C (p.Gln85Pro) results in a non-conservative amino acid change located in the Alpha/beta hydrolase fold-1 domain (IPR000073) of the encoded protein sequence. Five of five in-silico tools predict a damaging effect of the variant on protein function. The variant was absent in 251360 control chromosomes. The available data on variant occurrences in the general population are insufficient to allow any conclusion about variant significance. To our knowledge, no occurrence of c.254A>C in individuals affected with Lysosomal Acid Lipase Deficiency and no experimental evidence demonstrating its impact on protein function have been reported. A different variant affecting the same codon has been classified as pathogenic by our lab (c.253C>A, p.Gln85Lys), supporting the critical relevance of codon 85 to LIPA protein function. No submitters have cited clinical-significance assessments for this variant to ClinVar. Based on the evidence outlined above, the variant was classified as uncertain significance.